The following is an entry in ClinVar:

NM_000256.3(MYBPC3):c.3628C>A (p.Pro1210Thr)

Gene: MYBPC3 (myosin binding protein C3; minus strand). Cytogenetic location: 11p11.2.
Variant type: single nucleotide variant.
Coding change: c.3628C>A on transcript NM_000256.3 (MANE Select); coding-DNA position 3628, C replaced by A.
Protein change: p.Pro1210Thr; replaces proline 1210 with threonine.
Molecular consequence: missense variant.
Genome position (GRCh38, 1-based): chr11:47,332,258, G>T on the plus strand (C>A on the coding strand, the complement: MYBPC3 is on the minus strand). VCF-style: chr11-47332258-G-T. GRCh37 (hg19) VCF-style: chr11-47353809-G-T.
Other names: short protein forms P1210T.
Identifiers: ClinVar variation 919132 (VCV000919132.4), dbSNP rs1293774054, ClinGen allele CA380312040.
Genomic context (GRCh38, chr11:47,332,258, plus strand): 5'-ACATGCGGAAGCGGGCGTCTTCTCCCAGGTCCAGGCCATTCTTGAACCAGGAAATCTTGG[G>T]CTATAAATAAGGTAAAGAGAGGGAGGGAAGCCATCCAGGCTGAGAGGGGACCTGGCAGGG-3'
Protein context (NP_000247.2, residues 1200-1220): LCCAVRGSPK[Pro1210Thr]KISWFKNGLD

ClinVar aggregate classification (germline): Uncertain significance. Review status: criteria provided, multiple submitters, no conflicts (2 of 4 stars). 2 submissions from 2 submitters: Uncertain significance (2). Last evaluated 2025-06-18.

Conditions:
Hypertrophic cardiomyopathy. Also called: HYPERTROPHIC MYOCARDIOPATHY. Identifiers: Orphanet 217569, MedGen C0007194, MeSH D002312, MONDO:0005045, HP:0001639.
Cardiomyopathy (CMYO). Also called: Cardiomyopathies. Identifiers: Orphanet 167848, MedGen C0878544, MONDO:0004994, HP:0001638. Inheritance: Various modes of inheritance.

Allele frequency attached by ClinVar (database versions not stated): gnomAD exomes below 0.00001; TOPMed 0.00001.
gnomAD v4.1: 2 of 1,613,626 alleles (0.00012%); highest among the groups gnomAD compares: Non-Finnish European, 0.00017%; no homozygotes.

Submissions (2):

Labcorp Genetics (formerly Invitae), Labcorp
Classification: Uncertain significance for Hypertrophic cardiomyopathy. Last evaluated: 2025-06-18. Review status: criteria provided, single submitter. Criteria: Invitae Variant Classification Sherloc (09022015). Collection method: clinical testing. Allele origin: germline.
Comment: This sequence change replaces proline, which is neutral and non-polar, with threonine, which is neutral and polar, at codon 1210 of the MYBPC3 protein (p.Pro1210Thr). This variant is present in population databases (no rsID available, gnomAD 0.007%). This variant has not been reported in the literature in individuals affected with MYBPC3-related conditions. ClinVar contains an entry for this variant (Variation ID: 919132). An algorithm developed to predict the effect of missense changes on protein structure and function (PolyPhen-2) suggests that this variant is likely to be disruptive. In summary, the available evidence is currently insufficient to determine the role of this variant in disease. Therefore, it has been classified as a Variant of Uncertain Significance.

Color Diagnostics, LLC DBA Color Health
Classification: Uncertain significance for Cardiomyopathy. Last evaluated: 2019-01-04. Review status: criteria provided, single submitter. Criteria: ACMG Guidelines, 2015. Collection method: clinical testing. Allele origin: germline.
Comment: Variant of Uncertain Significance due to insufficient evidence: This variant is located in the Ig-like domain C10 of the MYBPC3 protein. Computational prediction tools and conservation analyses suggest that this variant may have deleterious impact on the protein function. Computational splicing tools suggest that this variant may not impact RNA splicing. To our knowledge, functional assays have not been performed for this variant nor has this variant been reported in individuals affected with cardiovascular disorders in the literature. This variant has been identified in 1/30960 chromosomes in the general population by the Genome Aggregation Database (gnomAD). Available evidence is insufficient to determine the role of this variant in disease conclusively.